The following is an entry in ClinVar:

ClinVar aggregate classification (germline): Uncertain significance (1 of 4 stars; one submission).

Allele frequency attached by ClinVar (database versions not stated): gnomAD exomes below 0.00001.
gnomAD v4.1: 1 of 1,614,062 alleles (0.000062%); no homozygotes.

Submission:

Labcorp Genetics (formerly Invitae), Labcorp
Classification: Uncertain significance. Last evaluated: 2022-05-21. Review status: criteria provided, single submitter. Criteria: Invitae Variant Classification Sherloc (09022015). Collection method: clinical testing. Allele origin: germline.
Comment: This variant is present in population databases (no rsID available, gnomAD no frequency). This sequence change replaces serine, which is neutral and polar, with asparagine, which is neutral and polar, at codon 603 of the PITPNM3 protein (p.Ser603Asn). This variant has not been reported in the literature in individuals affected with PITPNM3-related conditions. In summary, the available evidence is currently insufficient to determine the role of this variant in disease. Therefore, it has been classified as a Variant of Uncertain Significance. Algorithms developed to predict the effect of missense changes on protein structure and function output the following: SIFT: "Tolerated"; PolyPhen-2: "Benign"; Align-GVGD: "Class C0". The asparagine amino acid residue is found in multiple mammalian species, which suggests that this missense change does not adversely affect protein function. ClinVar contains an entry for this variant (Variation ID: 839220).

NM_031220.4(PITPNM3):c.1808G>A (p.Ser603Asn)

Gene: PITPNM3 (PITPNM family member 3; minus strand). Cytogenetic location: 17p13.2.
Variant type: single nucleotide variant.
Coding change: c.1808G>A on transcript NM_031220.4 (MANE Select); coding-DNA position 1808, G replaced by A.
Protein change: p.Ser603Asn; replaces serine 603 with asparagine.
Molecular consequence: missense variant.
Genome position (GRCh38, 1-based): chr17:6,468,307, C>T on the plus strand (G>A on the coding strand, the complement: PITPNM3 is on the minus strand). VCF-style: chr17-6468307-C-T. GRCh37 (hg19) VCF-style: chr17-6371627-C-T.
Other names: c.1700G>A, p.Ser567Asn (NM_001165966.2); short protein forms S567N, S603N.
Identifiers: ClinVar variation 839220 (VCV000839220.9), dbSNP rs1265066534, ClinGen allele CA397404376.